The following is an entry in ClinVar:

ClinVar aggregate classification (germline): Uncertain significance (1 of 4 stars; one submission).

Conditions:
Myasthenic syndrome, congenital, 22 (CMS22). Also called: PREPL DEFICIENCY. Identifiers: MedGen C4479088, MONDO:0044299, OMIM 616224.

gnomAD v4.1: 6 of 1,612,502 alleles (0.00037%); highest among the groups gnomAD compares: African/African-American, 0.008%; no homozygotes.

Submission:

Labcorp Genetics (formerly Invitae), Labcorp
Classification: Uncertain significance for Myasthenic syndrome, congenital, 22. Last evaluated: 2022-02-04. Review status: criteria provided, single submitter. Criteria: Invitae Variant Classification Sherloc (09022015). Collection method: clinical testing. Allele origin: germline.
Comment: In summary, the available evidence is currently insufficient to determine the role of this variant in disease. Therefore, it has been classified as a Variant of Uncertain Significance. Algorithms developed to predict the effect of missense changes on protein structure and function output the following: SIFT: "Tolerated"; PolyPhen-2: "Benign"; Align-GVGD: "Class C0". The histidine amino acid residue is found in multiple mammalian species, which suggests that this missense change does not adversely affect protein function. This variant has not been reported in the literature in individuals affected with PREPL-related conditions. This variant is present in population databases (no rsID available, gnomAD 0.007%). This sequence change replaces glutamine, which is neutral and polar, with histidine, which is basic and polar, at codon 702 of the PREPL protein (p.Gln702His).

NM_001171613.2(PREPL):c.1839A>T (p.Gln613His)

Genes: PREPL (prolyl endopeptidase like; minus strand), SLC3A1 (solute carrier family 3 member 1; plus strand). Cytogenetic location: 2p21.
Variant type: single nucleotide variant.
Coding change: c.1839A>T on transcript NM_001171613.2 (MANE Select); coding-DNA position 1839, A replaced by T.
Protein change: p.Gln613His; replaces glutamine 613 with histidine.
Molecular consequence: missense variant. On other transcripts: 3 prime UTR variant (1).
Genome position (GRCh38, 1-based): chr2:44,321,434, T>A on the plus strand (A>T on the coding strand, the complement: PREPL is on the minus strand). VCF-style: chr2-44321434-T-A. GRCh37 (hg19) VCF-style: chr2-44548573-T-A.
Other names: c.*795T>A (NM_000341.4); c.1920A>T, p.Gln640His (NM_001042385.2); c.1908A>T, p.Gln636His (NM_001042386.2); c.2106A>T, p.Gln702His (NM_001171603.1, NM_001171606.2, NM_001374275.1 and 2 more transcripts); c.1839A>T, p.Gln613His (NM_001171617.1, NM_001374277.1); short protein forms Q636H, Q702H, Q613H, Q640H.
Identifiers: ClinVar variation 1481123 (VCV001481123.8), dbSNP rs574404474, ClinGen allele CA46523570.
Genomic context (GRCh38, chr2:44,321,434, plus strand): 5'-CTTAAGATCCTCGAAAACACTGGTGCTGTCAAGTCCAAGTTCCTCGTACAGGAATTTAAT[T>A]TGGGCTGTAATCTAAAAGAAACACATTAAAAAAATTAAATAGAAGGCCTTTGTAGTAAAA-3'
Protein context (NP_001165084.1, residues 603-623): IEDSHKKITA[Gln613His]IKFLYEELGL